The following is an entry in ClinVar:

NM_001844.5(COL2A1):c.4137C>T (p.Arg1379=)

Gene: COL2A1 (collagen type II alpha 1 chain; minus strand). Cytogenetic location: 12q13.11.
Variant type: single nucleotide variant.
Coding change: c.4137C>T on transcript NM_001844.5 (MANE Select); coding-DNA position 4137, C replaced by T.
Protein change: p.Arg1379=; no amino-acid change (arginine 1379 retained).
Molecular consequence: synonymous variant.
Genome position (GRCh38, 1-based): chr12:47,974,269, G>A on the plus strand (C>T on the coding strand, the complement: COL2A1 is on the minus strand). VCF-style: chr12-47974269-G-A. GRCh37 (hg19) VCF-style: chr12-48368052-G-A.
Other names: c.3930C>T, p.Arg1310= (NM_033150.3).
Identifiers: ClinVar variation 1694665 (VCV001694665.31), dbSNP rs2136505936, ClinGen allele CA479450233.

ClinVar aggregate classification (germline): Likely benign (1 of 4 stars; one submission).

gnomAD v4.1: 1 of 1,614,210 alleles (0.000062%); no homozygotes.

Submission:

CeGaT Center for Human Genetics Tuebingen
Classification: Likely benign. Last evaluated: 2026-07-01. Review status: criteria provided, single submitter. Criteria: CeGaT Center For Human Genetics Tuebingen Variant Classification Criteria Version 2. Collection method: clinical testing. Allele origin: germline. Affected: yes. Observed: 2 variant alleles.
Comment: COL2A1: BP4, BP7